The following is an entry in ClinVar:

NM_000540.3(RYR1):c.3889del (p.His1297fs)

Gene: RYR1 (ryanodine receptor 1; plus strand). Cytogenetic location: 19q13.2.
Variant type: Deletion.
Coding change: c.3889del on transcript NM_000540.3 (MANE Select); coding-DNA position 3889, one base deleted (C; older notation c.3889delC).
Protein change: p.His1297fs; shifts the reading frame from histidine 1297.
Molecular consequence: frameshift variant.
Genome position (GRCh38, 1-based): chr19:38,473,500, C deleted; the last of 2 consecutive C bases (chr19:38,473,499-38,473,500); deleting either gives the same sequence. VCF-style (leftmost placement, unchanged base first): chr19-38473498-TC-T. GRCh37 (hg19) VCF-style: chr19-38964138-TC-T.
Other names: c.3889del, p.His1297fs (NM_001042723.2); short protein forms H1297fs.
Identifiers: ClinVar variation 2711010 (VCV002711010.3), dbSNP rs2514146143, ClinGen allele CA2697556492.

ClinVar aggregate classification (germline): Pathogenic (1 of 4 stars; one submission).

Conditions:
RYR1-related disorder. Also called: RYR1-related condition; RYR1-related disorders. Identifiers: MedGen CN239331.

Submission:

Labcorp Genetics (formerly Invitae), Labcorp
Classification: Pathogenic for RYR1-related disorder. Last evaluated: 2024-01-24. Review status: criteria provided, single submitter. Criteria: Invitae Variant Classification Sherloc (09022015). Collection method: clinical testing. Allele origin: germline.
Comment: This sequence change creates a premature translational stop signal (p.His1297Thrfs*101) in the RYR1 gene. It is expected to result in an absent or disrupted protein product. Loss-of-function variants in RYR1 are known to be pathogenic (PMID: 23919265, 25960145, 28818389, 30611313). This variant is not present in population databases (gnomAD no frequency). This variant has not been reported in the literature in individuals affected with RYR1-related conditions. For these reasons, this variant has been classified as Pathogenic.

Literature cited by the submitters: PubMed 23919265; PubMed 25960145; PubMed 28818389; PubMed 30611313.